The following is an entry in ClinVar:

ClinVar aggregate classification (germline): Uncertain significance. Review status: criteria provided, multiple submitters, no conflicts (2 of 4 stars). 2 submissions from 2 submitters: Uncertain significance (2). Last evaluated 2024-08-27.

Conditions:
Hereditary nonpolyposis colorectal neoplasms. Identifiers: MedGen C0009405, MeSH D003123.
Hereditary cancer-predisposing syndrome. Also called: Hereditary Cancer Syndrome; Hereditary neoplastic syndrome; Neoplastic Syndromes, Hereditary; Tumor predisposition. Identifiers: Orphanet 140162, MedGen C0027672, MeSH D009386, MONDO:0015356.

Submissions (2):

Color Diagnostics, LLC DBA Color Health
Classification: Uncertain significance for Hereditary cancer-predisposing syndrome. Last evaluated: 2024-08-27. Review status: criteria provided, single submitter. Criteria: ACMG Guidelines, 2015. Collection method: clinical testing. Allele origin: germline.
Comment: This missense variant replaces glycine with valine at codon 857 of the PMS2 protein. Computational prediction suggests that this variant may not impact protein structure and function (internally defined REVEL score threshold <= 0.5, PMID: 27666373). To our knowledge, functional studies have not been reported for this variant. This variant has not been reported in individuals affected with PMS2-related disorders in the literature. This variant has been identified in 1/201394 chromosomes in the general population by the Genome Aggregation Database (gnomAD). The available evidence is insufficient to determine the role of this variant in disease conclusively. Therefore, this variant is classified as a Variant of Uncertain Significance.

Labcorp Genetics (formerly Invitae), Labcorp
Classification: Uncertain significance for Hereditary nonpolyposis colorectal neoplasms. Last evaluated: 2023-06-16. Review status: criteria provided, single submitter. Criteria: Invitae Variant Classification Sherloc (09022015). Collection method: clinical testing. Allele origin: germline.
Comment: Advanced modeling of protein sequence and biophysical properties (such as structural, functional, and spatial information, amino acid conservation, physicochemical variation, residue mobility, and thermodynamic stability) has been performed at Invitae for this missense variant, however the output from this modeling did not meet the statistical confidence thresholds required to predict the impact of this variant on PMS2 protein function. In summary, the available evidence is currently insufficient to determine the role of this variant in disease. Therefore, it has been classified as a Variant of Uncertain Significance. ClinVar contains an entry for this variant (Variation ID: 455705). This variant has not been reported in the literature in individuals affected with PMS2-related conditions. The frequency data for this variant in the population databases (gnomAD) is considered unreliable due to the presence of homologous sequence, such as pseudogenes or paralogs, in the genome. This sequence change replaces glycine, which is neutral and non-polar, with valine, which is neutral and non-polar, at codon 857 of the PMS2 protein (p.Gly857Val).

NM_000535.7(PMS2):c.2570G>T (p.Gly857Val)

Gene: PMS2 (PMS1 homolog 2, mismatch repair system component; minus strand). Cytogenetic location: 7p22.1.
Variant type: single nucleotide variant.
Coding change: c.2570G>T on transcript NM_000535.7 (MANE Select); coding-DNA position 2570, G replaced by T.
Protein change: p.Gly857Val; replaces glycine 857 with valine.
Molecular consequence: missense variant. On other transcripts: non-coding transcript variant (1).
Genome position (GRCh38, 1-based): chr7:5,973,418, C>A on the plus strand (G>T on the coding strand, the complement: PMS2 is on the minus strand). VCF-style: chr7-5973418-C-A. GRCh37 (hg19) VCF-style: chr7-6013049-C-A.
Other names: c.2165G>T, p.Gly722Val (NM_001322003.2, NM_001322004.2, NM_001322005.2); c.2414G>T, p.Gly805Val (NM_001322006.2); c.2252G>T, p.Gly751Val (NM_001322007.2, NM_001322008.2); c.2198G>T, p.Gly733Val (NM_001322009.2); c.2009G>T, p.Gly670Val (NM_001322010.2); c.1637G>T, p.Gly546Val (NM_001322011.2, NM_001322012.2); c.1997G>T, p.Gly666Val (NM_001322013.2); c.2603G>T, p.Gly868Val (NM_001322014.2); and 1 more; short protein forms G857V, G722V, G805V, G751V, G546V, G670V, G666V, G733V.
Identifiers: ClinVar variation 455705 (VCV000455705.9), dbSNP rs1802683, ClinGen allele CA366734745.